The following is an entry in ClinVar:

NM_199355.4(ADAMTS18):c.2404G>C (p.Gly802Arg)

Gene: ADAMTS18 (ADAM metallopeptidase with thrombospondin type 1 motif 18; minus strand). Cytogenetic location: 16q23.1.
Variant type: single nucleotide variant.
Coding change: c.2404G>C on transcript NM_199355.4 (MANE Select); coding-DNA position 2404, G replaced by C.
Protein change: p.Gly802Arg; replaces glycine 802 with arginine.
Molecular consequence: missense variant.
Genome position (GRCh38, 1-based): chr16:77,319,977, C>G on the plus strand (G>C on the coding strand, the complement: ADAMTS18 is on the minus strand). VCF-style: chr16-77319977-C-G. GRCh37 (hg19) VCF-style: chr16-77353874-C-G.
Other names: c.1888G>C, p.Gly630Arg (NM_001326358.2); short protein forms G630R, G802R.
Identifiers: ClinVar variation 1375394 (VCV001375394.3), dbSNP rs544641967, ClinGen allele CA8180919.

ClinVar aggregate classification (germline): Uncertain significance (1 of 4 stars; one submission).

Allele frequency attached by ClinVar (database versions not stated): 1000 Genomes Project 0.00020; 1000 Genomes Project 30x 0.00016.
gnomAD v4.1: 7 of 1,614,116 alleles (0.00043%); highest among the groups gnomAD compares: East Asian, 0.011%; no homozygotes.

Submission:

Labcorp Genetics (formerly Invitae), Labcorp
Classification: Uncertain significance. Last evaluated: 2022-07-19. Review status: criteria provided, single submitter. Criteria: Invitae Variant Classification Sherloc (09022015). Collection method: clinical testing. Allele origin: germline.
Comment: This sequence change replaces glycine, which is neutral and non-polar, with arginine, which is basic and polar, at codon 802 of the ADAMTS18 protein (p.Gly802Arg). This variant is present in population databases (rs544641967, gnomAD 0.006%). This variant has not been reported in the literature in individuals affected with ADAMTS18-related conditions. ClinVar contains an entry for this variant (Variation ID: 1375394). Algorithms developed to predict the effect of missense changes on protein structure and function are either unavailable or do not agree on the potential impact of this missense change (SIFT: "Not Available"; PolyPhen-2: "Probably Damaging"; Align-GVGD: "Not Available"). In summary, the available evidence is currently insufficient to determine the role of this variant in disease. Therefore, it has been classified as a Variant of Uncertain Significance.